The following is an entry in ClinVar:

ClinVar aggregate classification (germline): Benign/Likely benign. Review status: criteria provided, multiple submitters, no conflicts (2 of 4 stars). 2 submissions from 2 submitters: Benign (1); Likely benign (1). Last evaluated 2024-12-26.

Conditions:
Hereditary cancer-predisposing syndrome. Also called: Hereditary Cancer Syndrome; Hereditary neoplastic syndrome; Neoplastic Syndromes, Hereditary; Tumor predisposition. Identifiers: Orphanet 140162, MedGen C0027672, MeSH D009386, MONDO:0015356.
Lynch syndrome 5 (LYNCH5). Also called: Hereditary non-polyposis colorectal cancer, type 5; Colorectal cancer, hereditary nonpolyposis, type 5. Identifiers: Orphanet 144, MedGen C1833477, MONDO:0013710, OMIM 614350. Disease mechanism: loss of function.

Submissions (2):

Myriad Genetics, Inc.
Classification: Benign for Lynch syndrome 5. Last evaluated: 2024-12-26. Review status: criteria provided, single submitter. Criteria: Myriad Autosomal Dominant, Autosomal Recessive and X-Linked Classification Criteria (2023). Collection method: clinical testing. Allele origin: unknown.
Comment: This variant is considered benign. This variant is a silent/synonymous amino acid change and it is not expected to impact splicing.

Ambry Genetics
Classification: Likely benign for Hereditary cancer-predisposing syndrome. Last evaluated: 2020-06-10. Review status: criteria provided, single submitter. Criteria: Ambry Variant Classification Scheme 2023. Collection method: clinical testing. Allele origin: germline.

NM_000179.3(MSH6):c.1380C>T (p.Gly460=)

Gene: MSH6 (mutS homolog 6; plus strand). Cytogenetic location: 2p16.3.
Variant type: single nucleotide variant.
Coding change: c.1380C>T on transcript NM_000179.3 (MANE Select); coding-DNA position 1380, C replaced by T.
Protein change: p.Gly460=; no amino-acid change (glycine 460 retained).
Molecular consequence: synonymous variant. On other transcripts: non-coding transcript variant (4), intron variant (1).
Genome position (GRCh38, 1-based): chr2:47,799,363, C>T. VCF-style: chr2-47799363-C-T. GRCh37 (hg19) VCF-style: chr2-48026502-C-T.
Other names: c.1476C>T, p.Gly492= (NM_001406795.1, NM_001406802.1); c.1380C>T, p.Gly460= (NM_001406796.1, NM_001406798.1, NM_001406800.1 and 4 more transcripts); c.1083C>T, p.Gly361= (NM_001406797.1, NM_001406801.1, NM_001406805.1 and 10 more transcripts); c.855C>T, p.Gly285= (NM_001406799.1, NM_001406806.1, NM_001406807.1); c.1302C>T, p.Gly434= (NM_001406804.1); c.474C>T, p.Gly158= (NM_001406811.1, NM_001406812.1, NM_001406814.1 and 6 more transcripts); c.1386C>T, p.Gly462= (NM_001406813.1); c.1212C>T, p.Gly404= (NM_001406826.1); and 2 more.
Identifiers: ClinVar variation 1771281 (VCV001771281.3), dbSNP rs1572722769, ClinGen allele CA426121122.